The following is an entry in ClinVar:

NM_001903.5(CTNNA1):c.1131C>G (p.Asp377Glu)

Gene: CTNNA1 (catenin alpha 1; plus strand). Cytogenetic location: 5q31.2.
Variant type: single nucleotide variant.
Coding change: c.1131C>G on transcript NM_001903.5 (MANE Select); coding-DNA position 1131, C replaced by G.
Protein change: p.Asp377Glu; replaces aspartic acid 377 with glutamic acid.
Molecular consequence: missense variant. On other transcripts: 5 prime UTR variant (5), intron variant (2).
Genome position (GRCh38, 1-based): chr5:138,886,280, C>G. VCF-style: chr5-138886280-C-G. GRCh37 (hg19) VCF-style: chr5-138221969-C-G.
Other names: c.1131C>G (NM_001903.2); c.1131C>G, p.Asp377Glu (NM_001290307.3, NM_001323982.2, NM_001323983.1 and 3 more transcripts); c.822C>G, p.Asp274Glu (NM_001290309.3); c.762C>G, p.Asp254Glu (NM_001290310.3); c.21C>G, p.Asp7Glu (NM_001290312.1, NM_001323987.1, NM_001323988.1 and 18 more transcripts); c.-377C>G (NM_001324006.1, NM_001324007.1, NM_001324008.1 and 1 more transcripts); c.-252C>G (NM_001324013.1); c.-58+10683C>G (NM_001324012.1); and 1 more; short protein forms D254E, D377E, D274E, D7E.
Identifiers: ClinVar variation 969636 (VCV000969636.11), dbSNP rs1581474328, ClinGen allele CA361132625.

ClinVar aggregate classification (germline): Uncertain significance. Review status: criteria provided, multiple submitters, no conflicts (2 of 4 stars). 2 submissions from 2 submitters: Uncertain significance (2). Last evaluated 2023-04-14.

Conditions:
Hereditary cancer-predisposing syndrome. Also called: Neoplastic Syndromes, Hereditary; Hereditary Cancer Syndrome; Tumor predisposition; Hereditary neoplastic syndrome. Identifiers: Orphanet 140162, MedGen C0027672, MeSH D009386, MONDO:0015356.

Submissions (2):

Ambry Genetics
Classification: Uncertain significance for Hereditary cancer-predisposing syndrome. Last evaluated: 2023-04-14. Review status: criteria provided, single submitter. Criteria: Ambry Variant Classification Scheme 2023. Collection method: clinical testing. Allele origin: germline.
Comment: The p.D377E variant (also known as c.1131C>G), located in coding exon 7 of the CTNNA1 gene, results from a C to G substitution at nucleotide position 1131. The aspartic acid at codon 377 is replaced by glutamic acid, an amino acid with highly similar properties. This amino acid position is conserved. In addition, the in silico prediction for this alteration is inconclusive. Since supporting evidence is limited at this time, the clinical significance of this alteration remains unclear.

Labcorp Genetics (formerly Invitae), Labcorp
Classification: Uncertain significance. Last evaluated: 2019-11-08. Review status: criteria provided, single submitter. Criteria: Invitae Variant Classification Sherloc (09022015). Collection method: clinical testing. Allele origin: germline.
Comment: This sequence change replaces aspartic acid with glutamic acid at codon 377 of the CTNNA1 protein (p.Asp377Glu). The aspartic acid residue is highly conserved and there is a small physicochemical difference between aspartic acid and glutamic acid. This variant is not present in population databases (ExAC no frequency). This variant has not been reported in the literature in individuals with CTNNA1-related conditions. Algorithms developed to predict the effect of missense changes on protein structure and function are either unavailable or do not agree on the potential impact of this missense change (SIFT: "Deleterious"; PolyPhen-2: "Benign"; Align-GVGD: "Class C0"). In summary, the available evidence is currently insufficient to determine the role of this variant in disease. Therefore, it has been classified as a Variant of Uncertain Significance.